The following is an entry in ClinVar:

NM_001384474.1(LOXHD1):c.3834G>C (p.Trp1278Cys)

Gene: LOXHD1 (lipoxygenase homology PLAT domains 1; minus strand). Cytogenetic location: 18q21.1.
Variant type: single nucleotide variant.
Coding change: c.3834G>C on transcript NM_001384474.1 (MANE Select); coding-DNA position 3834, G replaced by C.
Protein change: p.Trp1278Cys; replaces tryptophan 1278 with cysteine.
Molecular consequence: missense variant.
Genome position (GRCh38, 1-based): chr18:46,541,855, C>G on the plus strand (G>C on the coding strand, the complement: LOXHD1 is on the minus strand). VCF-style: chr18-46541855-C-G. GRCh37 (hg19) VCF-style: chr18-44121818-C-G.
Other names: c.501G>C, p.Trp167Cys (NM_001145472.3); c.213G>C, p.Trp71Cys (NM_001308013.2); c.3834G>C, p.Trp1278Cys (NM_144612.7); short protein forms W1278C, W167C, W71C.
Identifiers: ClinVar variation 3251659 (VCV003251659.1), dbSNP rs2511712372.

ClinVar aggregate classification (germline): Uncertain significance (1 of 4 stars; one submission).

Submission:

Women's Health and Genetics/Laboratory Corporation of America, LabCorp
Classification: Uncertain significance. Last evaluated: 2024-04-26. Review status: criteria provided, single submitter. Criteria: LabCorp Variant Classification Summary - May 2015. Collection method: clinical testing. Allele origin: germline.
Comment: Variant summary: LOXHD1 c.3834G>C (p.Trp1278Cys) results in a non-conservative amino acid change in the encoded protein sequence. Five of five in-silico tools predict a damaging effect of the variant on protein function. The variant was absent in 158472 control chromosomes. The available data on variant occurrences in the general population are insufficient to allow any conclusion about variant significance. c.3834G>C has been reported in the literature in individuals affected with Nonsyndromic Hearing Loss And Deafness, Type 77 (Wesdrop_2018). These data do not allow any conclusion about variant significance. To our knowledge, no experimental evidence demonstrating an impact on protein function has been reported. The following publication have been ascertained in the context of this evaluation (PMID: 29676012). No submitters have cited clinical-significance assessments for this variant to ClinVar. Based on the evidence outlined above, the variant was classified as uncertain significance.

Literature cited by the submitters: PubMed 29676012.